The following is an entry in ClinVar:

ClinVar aggregate classification (germline): Uncertain significance (1 of 4 stars; one submission).

Conditions:
SEMA3C-related disorder. Also called: SEMA3C-related condition.

Submission:

PreventionGenetics, part of Exact Sciences
Classification: Uncertain significance for SEMA3C-related condition. Last evaluated: 2026-07-13. Review status: criteria provided, single submitter. Criteria: ACMG Guidelines, 2015. Collection method: clinical testing. Allele origin: germline.
Comment: The SEMA3C c.1849G>A variant is predicted to result in the amino acid substitution p.Ala617Thr. To our knowledge, this variant has not been reported in the literature or in a large population database, indicating this variant is rare. At this time, the clinical significance of this variant is uncertain due to the absence of conclusive functional and genetic evidence.

NM_006379.5(SEMA3C):c.1795G>A (p.Ala599Thr)

Gene: SEMA3C (semaphorin 3C; minus strand). Cytogenetic location: 7q21.11.
Variant type: single nucleotide variant.
Coding change: c.1795G>A on transcript NM_006379.5 (MANE Select); coding-DNA position 1795, G replaced by A.
Protein change: p.Ala599Thr; replaces alanine 599 with threonine.
Molecular consequence: missense variant.
Genome position (GRCh38, 1-based): chr7:80,748,945, C>T on the plus strand (G>A on the coding strand, the complement: SEMA3C is on the minus strand). VCF-style: chr7-80748945-C-T. GRCh37 (hg19) VCF-style: chr7-80378261-C-T.
Other names: c.1849G>A, p.Ala617Thr (NM_001350120.2); c.1621G>A, p.Ala541Thr (NM_001350121.2); short protein forms A541T, A617T, A599T.
Identifiers: ClinVar variation 4990684 (VCV004990684.1).